The following is an entry in ClinVar:

ClinVar aggregate classification (germline): Uncertain significance. Review status: criteria provided, multiple submitters, no conflicts (2 of 4 stars). 4 submissions from 4 submitters: Uncertain significance (4). Last evaluated 2026-10-01.

Conditions:
Dyskeratosis congenita. Identifiers: Orphanet 1775, MedGen C0265965, MONDO:0015780.
Dyskeratosis congenita, autosomal dominant 2. Identifiers: MedGen C3151443, MONDO:0013521, OMIM 613989.
Idiopathic Pulmonary Fibrosis. Also called: Idiopathic fibrosing alveolitis, chronic form; idiopathic fibrosing alveolitis. Identifiers: Orphanet 2032, MedGen C1800706, MeSH D054990, MONDO:0800504.

Allele frequency attached by ClinVar (database versions not stated): gnomAD exomes 0.00001; gnomAD 0.00002 and 0.00053; TOPMed 0.00070.

Submissions (4):

St. Jude Molecular Pathology, St. Jude Children's Research Hospital
Classification: Uncertain significance for Dyskeratosis congenita, autosomal dominant 2. Last evaluated: 2026-10-01. Review status: criteria provided, single submitter. Criteria: St. Jude Assertion Criteria 2020. Collection method: clinical testing. Allele origin: germline.
Comment: The TERT c.769G>T; p.(Ala257Ser) missense change has an allele frequency of 0.0005% in gnomAD v2.1.1. The in silico tool REVEL predicts a benign effect on protein function, but to our knowledge this prediction has not been confirmed by functional studies. This variant has been reported in an individual with AML (PMID: 35106810). To our knowledge, this variant has not been reported in individuals with dyskeratosis congenita. In summary, the evidence currently available is insufficient to determine the clinical significance of this variant. It has therefore been classified as of uncertain significance (VUS-Low).

Labcorp Genetics (formerly Invitae), Labcorp
Classification: Uncertain significance for Dyskeratosis congenita, autosomal dominant 2; Idiopathic Pulmonary Fibrosis. Last evaluated: 2025-12-22. Review status: criteria provided, single submitter. Criteria: Invitae Variant Classification Sherloc (09022015). Collection method: clinical testing. Allele origin: germline.
Comment: This sequence change replaces alanine, which is neutral and non-polar, with serine, which is neutral and polar, at codon 257 of the TERT protein (p.Ala257Ser). The frequency data for this variant in the population databases is considered unreliable, as metrics indicate poor data quality at this position in the gnomAD database. This variant has not been reported in the literature in individuals affected with TERT-related conditions. ClinVar contains an entry for this variant (Variation ID: 410690). Invitae Evidence Modeling of protein sequence and biophysical properties (such as structural, functional, and spatial information, amino acid conservation, physicochemical variation, residue mobility, and thermodynamic stability) indicates that this missense variant is expected to disrupt TERT protein function with a positive predictive value of 95%. In summary, the available evidence is currently insufficient to determine the role of this variant in disease. Therefore, it has been classified as a Variant of Uncertain Significance.

Ambry Genetics
Classification: Uncertain significance for Dyskeratosis congenita. Last evaluated: 2025-01-30. Review status: criteria provided, single submitter. Criteria: Ambry Variant Classification Scheme 2023. Collection method: clinical testing. Allele origin: germline.
Comment: The p.A257S variant (also known as c.769G>T), located in coding exon 2 of the TERT gene, results from a G to T substitution at nucleotide position 769. The alanine at codon 257 is replaced by serine, an amino acid with similar properties. This amino acid position is poorly conserved in available vertebrate species. In addition, this alteration is predicted to be tolerated by in silico analysis. Based on the available evidence, the clinical significance of this variant remains unclear.

GeneDx
Classification: Uncertain significance. Last evaluated: 2023-09-28. Review status: criteria provided, single submitter. Criteria: GeneDx Variant Classification Process June 2021. Collection method: clinical testing. Allele origin: germline. Affected: yes.
Comment: Not observed at significant frequency in large population cohorts (gnomAD); In silico analysis supports that this missense variant does not alter protein structure/function; Has not been previously published as pathogenic or benign to our knowledge

NM_198253.3(TERT):c.769G>T (p.Ala257Ser)

Gene: TERT (telomerase reverse transcriptase; minus strand). Cytogenetic location: 5p15.33.
Variant type: single nucleotide variant.
Coding change: c.769G>T on transcript NM_198253.3 (MANE Select); coding-DNA position 769, G replaced by T.
Protein change: p.Ala257Ser; replaces alanine 257 with serine.
Molecular consequence: missense variant. On other transcripts: non-coding transcript variant (2).
Genome position (GRCh38, 1-based): chr5:1,294,117, C>A on the plus strand (G>T on the coding strand, the complement: TERT is on the minus strand). VCF-style: chr5-1294117-C-A. GRCh37 (hg19) VCF-style: chr5-1294232-C-A.
Other names: c.769G>T, p.Ala257Ser (NM_001193376.3); short protein forms A257S.
Identifiers: ClinVar variation 410690 (VCV000410690.12), dbSNP rs964055372, ClinGen allele CA16611733.